The following is an entry in ClinVar:

ClinVar aggregate classification (germline): Uncertain significance. Review status: criteria provided, multiple submitters, no conflicts (2 of 4 stars). 2 submissions from 2 submitters: Uncertain significance (2). Last evaluated 2024-05-30.

Conditions:
Brown-Vialetto-van Laere syndrome 1. Also called: BROWN-VIALETTO-VAN LAERE SYNDROME 1, MILD; BULBAR PALSY, PROGRESSIVE, WITH SENSORINEURAL DEAFNESS; PONTOBULBAR PALSY WITH DEAFNESS. Identifiers: Orphanet 572550, Orphanet 97229, MedGen C0796274, MONDO:0024537, OMIM 211530.

Allele frequency attached by ClinVar (database versions not stated): ExAC 0.00002; gnomAD exomes 0.00001.

Submissions (2):

GeneDx
Classification: Uncertain significance. Last evaluated: 2024-05-30. Review status: criteria provided, single submitter. Criteria: GeneDx Variant Classification Process June 2021. Collection method: clinical testing. Allele origin: germline. Affected: yes.
Comment: Not observed at significant frequency in large population cohorts (gnomAD); In silico analysis supports that this missense variant has a deleterious effect on protein structure/function; Has not been previously published as pathogenic or benign to our knowledge

Labcorp Genetics (formerly Invitae), Labcorp
Classification: Uncertain significance for Brown-Vialetto-van Laere syndrome 1. Last evaluated: 2023-01-09. Review status: criteria provided, single submitter. Criteria: Invitae Variant Classification Sherloc (09022015). Collection method: clinical testing. Allele origin: germline.
Comment: ClinVar contains an entry for this variant (Variation ID: 1392596). In summary, the available evidence is currently insufficient to determine the role of this variant in disease. Therefore, it has been classified as a Variant of Uncertain Significance. Advanced modeling of protein sequence and biophysical properties (such as structural, functional, and spatial information, amino acid conservation, physicochemical variation, residue mobility, and thermodynamic stability) performed at Invitae indicates that this missense variant is not expected to disrupt SLC52A3 protein function. This variant has not been reported in the literature in individuals affected with SLC52A3-related conditions. This variant is not present in population databases (gnomAD no frequency). This sequence change replaces alanine, which is neutral and non-polar, with valine, which is neutral and non-polar, at codon 90 of the SLC52A3 protein (p.Ala90Val).

NM_033409.4(SLC52A3):c.269C>T (p.Ala90Val)

Gene: SLC52A3 (solute carrier family 52 member 3; minus strand). Cytogenetic location: 20p13.
Variant type: single nucleotide variant.
Coding change: c.269C>T on transcript NM_033409.4 (MANE Select); coding-DNA position 269, C replaced by T.
Protein change: p.Ala90Val; replaces alanine 90 with valine.
Molecular consequence: missense variant.
Genome position (GRCh38, 1-based): chr20:765,506, G>A on the plus strand (C>T on the coding strand, the complement: SLC52A3 is on the minus strand). VCF-style: chr20-765506-G-A. GRCh37 (hg19) VCF-style: chr20-746150-G-A.
Other names: c.269C>T, p.Ala90Val (NM_001370085.1, NM_001370086.1); c.269C>T (NM_033409.3); short protein forms A90V.
Identifiers: ClinVar variation 1392596 (VCV001392596.7), dbSNP rs765857311, ClinGen allele CA9724810.
Genomic context (GRCh38, chr20:765,506, plus strand): 5'-ACCAAGAAGGCGATGCTGTGGTGGCCGTCCAGCACCCAGGAGGTCATATTCCAGAGGAAG[G>A]CAAAGATGATGCAGGTGACGGTTCCCACGCCCAGCAGGGTGAAGATGATGGGCACTTCGG-3'
Protein context (NP_212134.3, residues 80-100): GVGTVTCIIF[Ala90Val]FLWNMTSWVL